The following is an entry in ClinVar:

NM_004453.4(ETFDH):c.973-1G>A

Gene: ETFDH (electron transfer flavoprotein dehydrogenase; plus strand). Cytogenetic location: 4q32.1.
Variant type: single nucleotide variant.
Coding change: c.973-1G>A on transcript NM_004453.4 (MANE Select); the canonical splice acceptor site of the intron before coding-DNA position 973, G replaced by A.
Molecular consequence: splice acceptor variant.
Genome position (GRCh38, 1-based): chr4:158,698,986, G>A. VCF-style: chr4-158698986-G-A. GRCh37 (hg19) VCF-style: chr4-159620138-G-A.
Other names: c.832-1G>A (NM_001281737.2); c.790-1G>A (NM_001281738.1).
Identifiers: ClinVar variation 654986 (VCV000654986.7), dbSNP rs1580415323, ClinGen allele CA358561887.

ClinVar aggregate classification (germline): Likely pathogenic (1 of 4 stars; one submission).

Conditions:
Multiple acyl-CoA dehydrogenase deficiency (MADD). Also called: Glutaric acidemia type II; GA 2; Glutaric Acidemia type 2; ETHYLMALONIC-ADIPICACIDURIA; GA II; Glutaric aciduria, type 2. Identifiers: Orphanet 26791, MedGen C0268596, MONDO:0009282, OMIM 231680.

Submission:

Labcorp Genetics (formerly Invitae), Labcorp
Classification: Likely pathogenic for Multiple acyl-CoA dehydrogenase deficiency. Last evaluated: 2018-11-10. Review status: criteria provided, single submitter. Criteria: Invitae Variant Classification Sherloc (09022015). Collection method: clinical testing. Allele origin: germline.
Comment: In summary, the currently available evidence indicates that the variant is pathogenic, but additional data are needed to prove that conclusively. Therefore, this variant has been classified as Likely Pathogenic. Donor and acceptor splice site variants typically lead to a loss of protein function (PMID: 16199547), and loss-of-function variants in ETFDH are known to be pathogenic (PMID: 16510302, 23785301). Algorithms developed to predict the effect of sequence changes on RNA splicing suggest that this variant may disrupt the consensus splice site, but this prediction has not been confirmed by published transcriptional studies. This variant has not been reported in the literature in individuals with ETFDH-related disease. This variant is not present in population databases (ExAC no frequency). This sequence change affects an acceptor splice site in intron 8 of the ETFDH gene. It is expected to disrupt RNA splicing and likely results in an absent or disrupted protein product.

Literature cited by the submitters: PubMed 16199547; PubMed 16510302; PubMed 23785301.